The following is an entry in ClinVar:

NM_020949.3(SLC7A14):c.512C>A (p.Ala171Glu)

Genes: SLC7A14 (solute carrier family 7 member 14; minus strand), SLC7A14-AS1 (SLC7A14 antisense RNA 1; plus strand). Cytogenetic location: 3q26.2.
Variant type: single nucleotide variant.
Coding change: c.512C>A on transcript NM_020949.3 (MANE Select); coding-DNA position 512, C replaced by A.
Protein change: p.Ala171Glu; replaces alanine 171 with glutamic acid.
Molecular consequence: missense variant.
Genome position (GRCh38, 1-based): chr3:170,501,138, G>T on the plus strand (C>A on the coding strand, the complement: SLC7A14 is on the minus strand). VCF-style: chr3-170501138-G-T. GRCh37 (hg19) VCF-style: chr3-170218927-G-T.
Other names: short protein forms A171E.
Identifiers: ClinVar variation 1469058 (VCV001469058.6), dbSNP rs773294473, ClinGen allele CA355516895.

ClinVar aggregate classification (germline): Uncertain significance (1 of 4 stars; one submission).

gnomAD v4.1: 10 of 1,614,218 alleles (0.00062%); highest among the groups gnomAD compares: South Asian, 0.0011%; no homozygotes.

Submission:

Labcorp Genetics (formerly Invitae), Labcorp
Classification: Uncertain significance. Last evaluated: 2024-11-11. Review status: criteria provided, single submitter. Criteria: Invitae Variant Classification Sherloc (09022015). Collection method: clinical testing. Allele origin: germline.
Comment: This sequence change replaces alanine, which is neutral and non-polar, with glutamic acid, which is acidic and polar, at codon 171 of the SLC7A14 protein (p.Ala171Glu). This variant is present in population databases (no rsID available, gnomAD 0.0009%). This variant has not been reported in the literature in individuals affected with SLC7A14-related conditions. ClinVar contains an entry for this variant (Variation ID: 1469058). An algorithm developed to predict the effect of missense changes on protein structure and function (PolyPhen-2) suggests that this variant is likely to be tolerated. In summary, the available evidence is currently insufficient to determine the role of this variant in disease. Therefore, it has been classified as a Variant of Uncertain Significance.